The following is an entry in ClinVar:

ClinVar aggregate classification (germline): Uncertain significance (1 of 4 stars; one submission).

Allele frequency attached by ClinVar (database versions not stated): ESP Exome Variant Server 0.00008; TOPMed 0.00015; 1000 Genomes Project 30x 0.00016; gnomAD 0.00016; 1000 Genomes Project 0.00020; gnomAD exomes 0.00020 and 0.00023; ExAC 0.00034.

Submission:

GeneDx
Classification: Uncertain significance. Last evaluated: 2022-08-08. Review status: criteria provided, single submitter. Criteria: GeneDx Variant Classification Process June 2021. Collection method: clinical testing. Allele origin: germline. Affected: yes.
Comment: In silico analysis supports that this missense variant has a deleterious effect on protein structure/function; Has not been previously published as pathogenic or benign to our knowledge

NM_017646.6(TRIT1):c.715C>T (p.Arg239Cys)

Gene: TRIT1 (tRNA isopentenyltransferase 1; minus strand). Cytogenetic location: 1p34.2.
Variant type: single nucleotide variant.
Coding change: c.715C>T on transcript NM_017646.6 (MANE Select); coding-DNA position 715, C replaced by T.
Protein change: p.Arg239Cys; replaces arginine 239 with cysteine.
Molecular consequence: missense variant.
Genome position (GRCh38, 1-based): chr1:39,848,086, G>A on the plus strand (C>T on the coding strand, the complement: TRIT1 is on the minus strand). VCF-style: chr1-39848086-G-A. GRCh37 (hg19) VCF-style: chr1-40313758-G-A.
Other names: c.715C>T, p.Arg239Cys (NM_001312691.2); c.469C>T, p.Arg157Cys (NM_001312692.2); short protein forms R157C, R239C.
Identifiers: ClinVar variation 1700766 (VCV001700766.2), dbSNP rs140406438, ClinGen allele CA788020.
Genomic context (GRCh38, chr1:39,848,086, plus strand): 5'-AATCTCTTAGTTCCTCCAAGAGCCCAGCAGCAAGCATGTCATCCACCCTCTTATCCAAGC[G>A]CTCATCTAGAACTTGAATCAAATTAGCCCATCAACCAGCAAGCAAGTTGTAGGTACCTAC-3'
Protein context (NP_060116.2, residues 229-249): LHADQAVLDE[Arg239Cys]LDKRVDDMLA